The following is an entry in ClinVar:

ClinVar aggregate classification (germline): Uncertain significance (1 of 4 stars; one submission).

gnomAD v4.1: 3 of 1,614,080 alleles (0.00019%); highest among the groups gnomAD compares: Non-Finnish European, 0.00017%; no homozygotes.

Submission:

Labcorp Genetics (formerly Invitae), Labcorp
Classification: Uncertain significance. Last evaluated: 2025-04-28. Review status: criteria provided, single submitter. Criteria: Invitae Variant Classification Sherloc (09022015). Collection method: clinical testing. Allele origin: germline.
Comment: This sequence change replaces glutamic acid, which is acidic and polar, with aspartic acid, which is acidic and polar, at codon 1230 of the KMT2A protein (p.Glu1230Asp). This variant is present in population databases (no rsID available, gnomAD 0.0009%). This variant has not been reported in the literature in individuals affected with KMT2A-related conditions. Invitae Evidence Modeling of protein sequence and biophysical properties (such as structural, functional, and spatial information, amino acid conservation, physicochemical variation, residue mobility, and thermodynamic stability) indicates that this missense variant is not expected to disrupt KMT2A protein function with a negative predictive value of 95%. In summary, the available evidence is currently insufficient to determine the role of this variant in disease. Therefore, it has been classified as a Variant of Uncertain Significance.

NM_001197104.2(KMT2A):c.3690G>C (p.Glu1230Asp)

Gene: KMT2A (lysine methyltransferase 2A; plus strand). Cytogenetic location: 11q23.3.
Variant type: single nucleotide variant.
Coding change: c.3690G>C on transcript NM_001197104.2 (MANE Select); coding-DNA position 3690, G replaced by C.
Protein change: p.Glu1230Asp; replaces glutamic acid 1230 with aspartic acid.
Molecular consequence: missense variant.
Genome position (GRCh38, 1-based): chr11:118,481,770, G>C. VCF-style: chr11-118481770-G-C. GRCh37 (hg19) VCF-style: chr11-118352485-G-C.
Other names: c.3789G>C, p.Glu1263Asp (NM_001412597.1); c.3690G>C, p.Glu1230Asp (NM_005933.4); short protein forms E1263D, E1230D.
Identifiers: ClinVar variation 4763581 (VCV004763581.1).